The following is an entry in ClinVar:

NM_006767.4(LZTR1):c.320+2T>G

Gene: LZTR1 (leucine zipper like post translational regulator 1; plus strand). Cytogenetic location: 22q11.21.
Variant type: single nucleotide variant.
Coding change: c.320+2T>G on transcript NM_006767.4 (MANE Select); the canonical splice donor site of the intron after coding-DNA position 320, T replaced by G.
Molecular consequence: splice donor variant.
Genome position (GRCh38, 1-based): chr22:20,985,899, T>G. VCF-style: chr22-20985899-T-G. GRCh37 (hg19) VCF-style: chr22-21340188-T-G.
Identifiers: ClinVar variation 1728809 (VCV001728809.9), dbSNP rs1924364964, ClinGen allele CA410778919.

ClinVar aggregate classification (germline): Likely pathogenic. Review status: criteria provided, multiple submitters, no conflicts (2 of 4 stars). 2 submissions from 2 submitters: Likely pathogenic (2). Last evaluated 2025-11-18.

Conditions:
Cardiovascular phenotype. Identifiers: MedGen CN230736.
Hereditary cancer-predisposing syndrome. Also called: Tumor predisposition; Neoplastic Syndromes, Hereditary; Hereditary Cancer Syndrome; Hereditary neoplastic syndrome. Identifiers: Orphanet 140162, MedGen C0027672, MeSH D009386, MONDO:0015356.

Allele frequency attached by ClinVar (database versions not stated): gnomAD 0.00001.
gnomAD v4.1: 1 of 1,613,958 alleles (0.000062%); highest among the groups gnomAD compares: African/African-American, 0.0013%; no homozygotes.

Submissions (3):

Ambry Genetics
Classification: Likely pathogenic for Cardiovascular phenotype; Hereditary cancer-predisposing syndrome. Last evaluated: 2025-11-18. Review status: criteria provided, single submitter. Criteria: Ambry Variant Classification Scheme 2023. Collection method: clinical testing. Allele origin: germline.
Comment: The c.320+2T>G intronic variant results from a T to G substitution two nucleotides after coding exon 3 in the LZTR1 gene. Alterations that disrupt the canonical splice site are expected to result in aberrant splicing. In silico splice site analysis predicts that this alteration will weaken the native splice donor site. The resulting transcript is predicted to be in-frame and is not expected to trigger nonsense-mediated mRNAdecay; however, direct evidence is insufficient at this time (Ambry internal data). The exact functional effect of the altered amino acid sequence is unknown, but the impacted region is critical for protein function (Ambry internal data).This variant is considered to be rare based on population cohorts in the Genome Aggregation Database (gnomAD). This nucleotide position is highly conserved in available vertebrate species. Loss-of-function variants in LZTR1 are related to an increased risk for schwannomas and autosomal recessive Noonan syndrome; however, such associations with autosomal dominant Noonan syndrome have not been observed (Piotrowski A et al. Nat Genet. 2014 Feb;46:182-7; Yamamoto GL et al. J Med Genet. 2015 Jun;52:413-21; Johnston JJ et al. Genet Med. 2018 10;20:1175-1185). Based on the supporting evidence, this variant is likely pathogenic for an increased risk of LZTR1-related schwannomatosis (SWN) and would be expected to cause autosomal recessive Noonan syndrome when present along with a second pathogenic or likely pathogenic variant on the other allele; however, the association of this alteration with autosomal dominant Noonan syndrome is unlikely.

Labcorp Genetics (formerly Invitae), Labcorp
Classification: Likely pathogenic. Last evaluated: 2025-03-05. Review status: criteria provided, single submitter. Criteria: Invitae Variant Classification Sherloc (09022015). Collection method: clinical testing. Allele origin: germline.
Comment: This sequence change affects a donor splice site in intron 3 of the LZTR1 gene. It is expected to disrupt RNA splicing. Variants that disrupt the donor or acceptor splice site typically lead to a loss of protein function (PMID: 16199547), and loss-of-function variants in LZTR1 are known to be pathogenic (PMID: 24362817, 25335493, 25480913, 25795793, 29469822, 30368668, 30442762, 30442766, 30481304, 30859559). This variant is not present in population databases (gnomAD no frequency). Disruption of this splice site has been observed in individual(s) with schwannomatosis (PMID: 28365909). ClinVar contains an entry for this variant (Variation ID: 1728809). Algorithms developed to predict the effect of sequence changes on RNA splicing suggest that this variant may disrupt the consensus splice site. In summary, the currently available evidence indicates that the variant is pathogenic, but additional data are needed to prove that conclusively. Therefore, this variant has been classified as Likely Pathogenic.

Dr. Peter K. Rogan Lab, Western University
No classification provided (evidence only). Condition: Ovarian serous cystadenocarcinoma. Review status: no classification provided. Collection method: in vitro. Allele origin: not applicable. Functional consequence: retained intron. Not counted in ClinVar's aggregate classification.

Literature cited by the submitters: PubMed 16199547 (cited by Labcorp Genetics (formerly Invitae), Labcorp); PubMed 24362817 (cited by Labcorp Genetics (formerly Invitae), Labcorp); PubMed 25335493 (cited by Labcorp Genetics (formerly Invitae), Labcorp); PubMed 25480913 (cited by Labcorp Genetics (formerly Invitae), Labcorp); PubMed 25795793 (cited by Labcorp Genetics (formerly Invitae), Labcorp); PubMed 29469822 (cited by Labcorp Genetics (formerly Invitae), Labcorp); PubMed 30368668 (cited by Labcorp Genetics (formerly Invitae), Labcorp); PubMed 30442762 (cited by Labcorp Genetics (formerly Invitae), Labcorp); PubMed 30442766 (cited by Labcorp Genetics (formerly Invitae), Labcorp); PubMed 30481304 (cited by Labcorp Genetics (formerly Invitae), Labcorp); PubMed 30859559 (cited by Labcorp Genetics (formerly Invitae), Labcorp); PubMed 28365909 (cited by Labcorp Genetics (formerly Invitae), Labcorp).